The following is an entry in ClinVar:

ClinVar aggregate classification (germline): Uncertain significance. Review status: criteria provided, multiple submitters, no conflicts (2 of 4 stars). 2 submissions from 2 submitters: Uncertain significance (2). Last evaluated 2024-07-23.

Conditions:
Inborn genetic diseases. Identifiers: MedGen C0950123, MeSH D030342.

Allele frequency attached by ClinVar (database versions not stated): gnomAD exomes below 0.00001; TOPMed 0.00001.
gnomAD v4.1: 6 of 1,614,176 alleles (0.00037%); highest among the groups gnomAD compares: Admixed American, 0.0033%; no homozygotes.

Submissions (2):

Labcorp Genetics (formerly Invitae), Labcorp
Classification: Uncertain significance. Last evaluated: 2024-07-23. Review status: criteria provided, single submitter. Criteria: Invitae Variant Classification Sherloc (09022015). Collection method: clinical testing. Allele origin: germline.
Comment: This sequence change replaces proline, which is neutral and non-polar, with leucine, which is neutral and non-polar, at codon 41 of the CASQ1 protein (p.Pro41Leu). This variant is present in population databases (no rsID available, gnomAD 0.003%). This variant has not been reported in the literature in individuals affected with CASQ1-related conditions. ClinVar contains an entry for this variant (Variation ID: 1991239). An algorithm developed to predict the effect of missense changes on protein structure and function (PolyPhen-2) suggests that this variant is likely to be disruptive. In summary, the available evidence is currently insufficient to determine the role of this variant in disease. Therefore, it has been classified as a Variant of Uncertain Significance.

Ambry Genetics
Classification: Uncertain significance for Inborn genetic diseases. Last evaluated: 2024-07-16. Review status: criteria provided, single submitter. Criteria: Ambry Variant Classification Scheme 2023. Collection method: clinical testing. Allele origin: germline.

NM_001231.5(CASQ1):c.122C>T (p.Pro41Leu)

Gene: CASQ1 (calsequestrin 1; plus strand). Cytogenetic location: 1q23.2.
Variant type: single nucleotide variant.
Coding change: c.122C>T on transcript NM_001231.5 (MANE Select); coding-DNA position 122, C replaced by T.
Protein change: p.Pro41Leu; replaces proline 41 with leucine.
Molecular consequence: missense variant.
Genome position (GRCh38, 1-based): chr1:160,190,873, C>T. VCF-style: chr1-160190873-C-T. GRCh37 (hg19) VCF-style: chr1-160160663-C-T.
Other names: c.122C>T (NM_001231.4); short protein forms P41L.
Identifiers: ClinVar variation 1991239 (VCV001991239.5), dbSNP rs1320697273, ClinGen allele CA343249604.